The following is an entry in ClinVar:

ClinVar aggregate classification (germline): Pathogenic (1 of 4 stars; one submission).

Conditions:
Hereditary breast ovarian cancer syndrome. Also called: Hereditary breast and ovarian cancer syndrome (HBOC); Breast and ovarian cancer; Hereditary breast and/or ovarian cancer syndrome; Hereditary breast and ovarian cancer; BRCA1- and BRCA2-Associated Hereditary Breast and Ovarian Cancer; Hereditary breast and ovarian cancer syndrome. Identifiers: Orphanet 145, MedGen C0677776, MeSH D061325, MONDO:0003582. Disease mechanism: loss of function.

Submission:

Labcorp Genetics (formerly Invitae), Labcorp
Classification: Pathogenic for Hereditary breast ovarian cancer syndrome. Last evaluated: 2022-10-25. Review status: criteria provided, single submitter. Criteria: Invitae Variant Classification Sherloc (09022015). Collection method: clinical testing. Allele origin: germline.
Comment: This variant is a gross deletion of the genomic region encompassing exon(s) 22-23 of the BRCA1 gene, which includes the termination codon. This deletion extends beyond the assayed region for this gene and therefore may encompass additional genes. While this deletion is not anticipated to lead to nonsense mediated decay, it is expected to alter mRNA translation or result in a truncated protein product. A similar copy number variant has been observed in individual(s) with breast and/or ovarian cancer (PMID: 16715518, 16793929, 17333342, 18431737, 24825132). It has also been observed to segregate with disease in related individuals. This variant is also known as deletion of exons 23-24. The region of the BRCA1 gene that includes exon(s) 22-23 has been determined to be clinically significant (PMID: 16715518, 16793929, 17333342, 18431737, 24825132). Therefore, deletions that encompass that region are likely to be disease-causing. For these reasons, this variant has been classified as Pathogenic.

Literature cited by the submitters: PubMed 16715518; PubMed 16793929; PubMed 17333342; PubMed 18431737; PubMed 24825132.

NC_000017.10:g.(?_41196977)_(41199745_?)del

Gene: BRCA1 (BRCA1 DNA repair associated; minus strand). Cytogenetic location: 17q21.31.
Variant type: Deletion.
Identifiers: ClinVar variation 2425739 (VCV002425739.6).